The following is an entry in ClinVar:

ClinVar aggregate classification (germline): Uncertain significance (1 of 4 stars; one submission).

Submission:

GeneDx
Classification: Uncertain significance. Last evaluated: 2025-02-05. Review status: criteria provided, single submitter. Criteria: GeneDx Variant Classification Process June 2021. Collection method: clinical testing. Allele origin: germline. Affected: yes.
Comment: Not observed at significant frequency in large population cohorts (gnomAD); In silico analysis indicates that this missense variant does not alter protein structure/function; Has not been previously published as pathogenic or benign to our knowledge

NM_016239.4(MYO15A):c.2821T>A (p.Ser941Thr)

Gene: MYO15A (myosin XVA; plus strand). Cytogenetic location: 17p11.2.
Variant type: single nucleotide variant.
Coding change: c.2821T>A on transcript NM_016239.4 (MANE Select); coding-DNA position 2821, T replaced by A.
Protein change: p.Ser941Thr; replaces serine 941 with threonine.
Molecular consequence: missense variant.
Genome position (GRCh38, 1-based): chr17:18,121,621, T>A. VCF-style: chr17-18121621-T-A. GRCh37 (hg19) VCF-style: chr17-18024935-T-A.
Other names: short protein forms S941T.
Identifiers: ClinVar variation 4074355 (VCV004074355.1).
Genomic context (GRCh38, chr17:18,121,621, plus strand): 5'-ACTGTGCCCCCACTGGCCCCCAGCTGGGACGTGGACATGCCTCCCACCCAACGCCCACCC[T>A]CCCCCTGGCCAGGAGGTGCAGGCAGCCGCCGAGGCTTTTCCAGGCCACCCCCTGTGCCGG-3'
Protein context (NP_057323.3, residues 931-951): VDMPPTQRPP[Ser941Thr]PWPGGAGSRR